The following is an entry in ClinVar:

NM_002303.6(LEPR):c.2673+3153C>A

Gene: LEPR (leptin receptor; plus strand). Cytogenetic location: 1p31.3.
Variant type: single nucleotide variant.
Coding change: c.2673+3153C>A on transcript NM_002303.6 (MANE Select); 3153 bases into the intron after coding-DNA position 2673, C replaced by A.
Molecular consequence: intron variant. On other transcripts: synonymous variant (1).
Genome position (GRCh38, 1-based): chr1:65,626,134, C>A. VCF-style: chr1-65626134-C-A. GRCh37 (hg19) VCF-style: chr1-66091817-C-A.
Other names: c.2685C>A, p.Gly895= (NM_001198688.1); c.2673+3153C>A (NM_001003679.3, NM_001003680.3, NM_001198689.2 and 1 more transcripts).
Identifiers: ClinVar variation 3354467 (VCV003354467.1).
Genomic context (GRCh38, chr1:65,626,134, plus strand): 5'-CAGCAAAATGCAGTTTAAACCTGCAGCAAATTATTTTTCCCTTTTCCAGAAAATGCCTGG[C>A]ACAAAGGAACTACTGGGTGGAGGTTGGTTGACTTAGGAAATGCTTGTAGACTACGTCCTA-3'

ClinVar aggregate classification (germline): Likely benign (0 of 4 stars; one submission).

Conditions:
LEPR-related disorder. Also called: LEPR-related condition; LEPR-related disorders.

gnomAD v4.1: 2 of 1,612,320 alleles (0.00012%); highest among the groups gnomAD compares: Non-Finnish European, 0.00017%; no homozygotes.

Submission:

PreventionGenetics, part of Exact Sciences
Classification: Likely benign for LEPR-related condition. Last evaluated: 2022-06-22. Review status: no assertion criteria provided. Collection method: clinical testing. Allele origin: germline.
Comment: This variant is classified as likely benign based on ACMG/AMP sequence variant interpretation guidelines (Richards et al. 2015 PMID: 25741868, with internal and published modifications).